The following is an entry in ClinVar:

ClinVar aggregate classification (germline): Uncertain significance (1 of 4 stars; one submission).

Conditions:
BDNF-related disorder. Also called: BDNF-related condition.

gnomAD v4.1: 1 of 1,613,990 alleles (0.000062%); highest among the groups gnomAD compares: Non-Finnish European, 0.000085%; no homozygotes.

Submission:

PreventionGenetics, part of Exact Sciences
Classification: Uncertain significance for BDNF-related condition. Last evaluated: 2026-02-03. Review status: criteria provided, single submitter. Criteria: ACMG Guidelines, 2015. Collection method: clinical testing. Allele origin: germline.
Comment: The BDNF c.815G>A variant is predicted to result in the amino acid substitution p.Gly272Asp. To our knowledge, this variant has not been reported in the literature or in a large population database (gnomAD), indicating this variant is rare. At this time, the clinical significance of this variant is uncertain due to the absence of conclusive functional and genetic evidence.

NM_001709.5(BDNF):c.569G>A (p.Gly190Asp)

Genes: BDNF (brain derived neurotrophic factor; minus strand), BDNF-AS (BDNF antisense RNA; plus strand). Cytogenetic location: 11p14.1.
Variant type: single nucleotide variant.
Coding change: c.569G>A on transcript NM_001709.5 (MANE Select); coding-DNA position 569, G replaced by A.
Protein change: p.Gly190Asp; replaces glycine 190 with aspartic acid.
Molecular consequence: missense variant.
Genome position (GRCh38, 1-based): chr11:27,657,996, C>T on the plus strand (G>A on the coding strand, the complement: BDNF is on the minus strand). VCF-style: chr11-27657996-C-T. GRCh37 (hg19) VCF-style: chr11-27679543-C-T.
Other names: c.569G>A, p.Gly190Asp (NM_001143805.1, NM_001143806.1, NM_001143807.2 and 9 more transcripts); c.656G>A, p.Gly219Asp (NM_001143809.2); c.815G>A, p.Gly272Asp (NM_001143810.2); c.593G>A, p.Gly198Asp (NM_170731.5); c.614G>A, p.Gly205Asp (NM_170734.4); short protein forms G198D, G272D, G190D, G205D, G219D.
Identifiers: ClinVar variation 4991454 (VCV004991454.1).